The following is an entry in ClinVar:

ClinVar aggregate classification (germline): Uncertain significance (1 of 4 stars; one submission).

Conditions:
Cardiovascular phenotype. Identifiers: MedGen CN230736.

Allele frequency attached by ClinVar (database versions not stated): TOPMed 0.00002.
gnomAD v4.1: 7 of 1,613,926 alleles (0.00043%); highest among the groups gnomAD compares: African/African-American, 0.0053%; no homozygotes.

Submission:

Ambry Genetics
Classification: Uncertain significance for Cardiovascular phenotype. Last evaluated: 2023-02-23. Review status: criteria provided, single submitter. Criteria: Ambry Variant Classification Scheme 2023. Collection method: clinical testing. Allele origin: germline.
Comment: The p.T428P variant (also known as c.1282A>C), located in coding exon 12 of the CACNB2 gene, results from an A to C substitution at nucleotide position 1282. The threonine at codon 428 is replaced by proline, an amino acid with highly similar properties. This amino acid position is conserved. In addition, the in silico prediction for this alteration is inconclusive. Since supporting evidence is limited at this time, the clinical significance of this alteration remains unclear.

NM_201596.3(CACNB2):c.1444A>C (p.Thr482Pro)

Gene: CACNB2 (calcium voltage-gated channel auxiliary subunit beta 2; plus strand). Cytogenetic location: 10p12.31.
Variant type: single nucleotide variant.
Coding change: c.1444A>C on transcript NM_201596.3 (MANE Select); coding-DNA position 1444, A replaced by C.
Protein change: p.Thr482Pro; replaces threonine 482 with proline.
Molecular consequence: missense variant.
Genome position (GRCh38, 1-based): chr10:18,538,321, A>C. VCF-style: chr10-18538321-A-C. GRCh37 (hg19) VCF-style: chr10-18827250-A-C.
Other names: c.1279A>C, p.Thr427Pro (NM_000724.4); c.1246A>C, p.Thr416Pro (NM_001167945.2); c.1165A>C, p.Thr389Pro (NM_001330060.2); c.1186A>C, p.Thr396Pro (NM_001410882.1); c.1300A>C, p.Thr434Pro (NM_201570.3); c.1360A>C, p.Thr454Pro (NM_201571.4); c.1288A>C, p.Thr430Pro (NM_201572.4); c.1282A>C, p.Thr428Pro (NM_201590.3); and 2 more; short protein forms T389P, T454P, T396P, T428P, T434P, T427P, T430P, T482P.
Identifiers: ClinVar variation 2258644 (VCV002258644.2), dbSNP rs1457463158, ClinGen allele CA376070552.